The following is an entry in ClinVar:

ClinVar aggregate classification (germline): Likely benign. Review status: criteria provided, multiple submitters, no conflicts (2 of 4 stars). 3 submissions from 3 submitters: Likely benign (2). 1 of the submissions does not count toward it. Last evaluated 2025-11-03.

Conditions:
Primary ciliary dyskinesia. Also called: Ciliary dyskinesia. Identifiers: Orphanet 244, MedGen C0008780, MONDO:0016575, HP:0012265.
ODAD1-related disorder. Also called: ODAD1-related condition.

Allele frequency attached by ClinVar (database versions not stated): ExAC 0.00005; ESP Exome Variant Server 0.00008; gnomAD 0.00010; TOPMed 0.00011; gnomAD exomes 0.00020.
gnomAD v4.1: 338 of 1,604,392 alleles (0.021%); highest among the groups gnomAD compares: Non-Finnish European, 0.025%; no homozygotes.

Submissions (3):

Labcorp Genetics (formerly Invitae), Labcorp
Classification: Likely benign for Primary ciliary dyskinesia. Last evaluated: 2025-11-03. Review status: criteria provided, single submitter. Criteria: Invitae Variant Classification Sherloc (09022015). Collection method: clinical testing. Allele origin: germline.

Blueprint Genetics
Classification: Likely benign. Last evaluated: 2024-07-19. Review status: criteria provided, single submitter. Criteria: ACMG Guidelines, 2015. Collection method: clinical testing. Allele origin: germline.

PreventionGenetics, part of Exact Sciences
Classification: Likely benign for ODAD1-related condition. Last evaluated: 2019-03-07. Review status: no assertion criteria provided. Collection method: clinical testing. Allele origin: germline. Not counted in ClinVar's aggregate classification.
Comment: This variant is classified as likely benign based on ACMG/AMP sequence variant interpretation guidelines (Richards et al. 2015 PMID: 25741868, with internal and published modifications).

NM_001364171.2(ODAD1):c.1240+9C>A

Gene: ODAD1 (outer dynein arm docking complex subunit 1; minus strand). Cytogenetic location: 19q13.33.
Variant type: single nucleotide variant.
Coding change: c.1240+9C>A on transcript NM_001364171.2 (MANE Select); 9 bases into the intron after coding-DNA position 1240, C replaced by A.
Molecular consequence: intron variant.
Genome position (GRCh38, 1-based): chr19:48,302,685, G>T on the plus strand (C>A on the coding strand, the complement: ODAD1 is on the minus strand). VCF-style: chr19-48302685-G-T. GRCh37 (hg19) VCF-style: chr19-48805942-G-T.
Other names: c.1129+9C>A (NM_144577.4, NM_144577.3).
Identifiers: ClinVar variation 2040086 (VCV002040086.7), dbSNP rs199702730, ClinGen allele CA9548774.